The following is an entry in ClinVar:

NM_000393.5(COL5A2):c.2085+143C>G

Gene: COL5A2 (collagen type V alpha 2 chain; minus strand). Cytogenetic location: 2q32.2.
Variant type: single nucleotide variant.
Coding change: c.2085+143C>G on transcript NM_000393.5 (MANE Select); 143 bases into the intron after coding-DNA position 2085, C replaced by G.
Molecular consequence: intron variant.
Genome position (GRCh38, 1-based): chr2:189,060,587, G>C on the plus strand (C>G on the coding strand, the complement: COL5A2 is on the minus strand). VCF-style: chr2-189060587-G-C. GRCh37 (hg19) VCF-style: chr2-189925313-G-C.
Identifiers: ClinVar variation 672283 (VCV000672283.2), dbSNP rs6414121, ClinGen allele CA62600550.

ClinVar aggregate classification (germline): Benign. Review status: criteria provided, multiple submitters, no conflicts (2 of 4 stars). 2 submissions from 2 submitters: Benign (2). Last evaluated 2018-06-14.

Allele frequency attached by ClinVar (database versions not stated): 1000 Genomes Project 30x 0.63616; 1000 Genomes Project 0.64058; TOPMed 0.69125; gnomAD 0.70971 and 0.71056; gnomAD exomes 0.76416.
gnomAD v4.1: 525,759 of 699,300 alleles (75%); highest among the groups gnomAD compares: Non-Finnish European, 81%; 200,742 homozygotes.

Submissions (2):

GeneDx
Classification: Benign. Last evaluated: 2018-06-14. Review status: criteria provided, single submitter. Criteria: GeneDx Variant Classification (06012015). Collection method: clinical testing. Allele origin: germline. Affected: yes.
Comment: This variant is considered likely benign or benign based on one or more of the following criteria: it is a conservative change, it occurs at a poorly conserved position in the protein, it is predicted to be benign by multiple in silico algorithms, and/or has population frequency not consistent with disease.

Breakthrough Genomics
Classification: Benign. Review status: criteria provided, single submitter. Criteria: ACMG Guidelines, 2015. Collection method: not provided. Allele origin: germline. Inheritance: Autosomal dominant inheritance. Affected: yes.